The following is an entry in ClinVar:

ClinVar aggregate classification (germline): Uncertain significance (1 of 4 stars; one submission).

Allele frequency attached by ClinVar (database versions not stated): gnomAD exomes below 0.00001.

Submission:

Ambry Genetics
Classification: Uncertain significance. Last evaluated: 2023-06-11. Review status: criteria provided, single submitter. Criteria: Ambry Variant Classification Scheme 2023. Collection method: clinical testing. Allele origin: germline.
Comment: The p.K1005R variant (also known as c.3014A>G), located in coding exon 16 of the NPAT gene, results from an A to G substitution at nucleotide position 3014. The lysine at codon 1005 is replaced by arginine, an amino acid with highly similar properties. This amino acid position is conserved. In addition, this alteration is predicted to be tolerated by in silico analysis. Since supporting evidence is limited at this time, the clinical significance of this alteration remains unclear.

NM_002519.3(NPAT):c.3014A>G (p.Lys1005Arg)

Gene: NPAT (nuclear protein, coactivator of histone transcription; minus strand). Cytogenetic location: 11q22.3.
Variant type: single nucleotide variant.
Coding change: c.3014A>G on transcript NM_002519.3 (MANE Select); coding-DNA position 3014, A replaced by G.
Protein change: p.Lys1005Arg; replaces lysine 1005 with arginine.
Molecular consequence: missense variant.
Genome position (GRCh38, 1-based): chr11:108,162,177, T>C on the plus strand (A>G on the coding strand, the complement: NPAT is on the minus strand). VCF-style: chr11-108162177-T-C. GRCh37 (hg19) VCF-style: chr11-108032904-T-C.
Other names: c.3014A>G, p.Lys1005Arg (NM_001321307.1); short protein forms K1005R.
Identifiers: ClinVar variation 2568034 (VCV002568034.2), dbSNP rs2496698047, ClinGen allele CA382511728.
Genomic context (GRCh38, chr11:108,162,177, plus strand): 5'-CACTTTTGTGCATGACATCCAACTGAATGACCTGACGAATCCACCAAATTATTTACTTGT[T>C]TTCCTGAAATTATAAATGAACATTCCTGAGAAAAAGAATATACTCCTCTGAAAGAGGATA-3'
Protein context (NP_002510.2, residues 995-1015): QGLRNKPCIG[Lys1005Arg]QVNNLVDSSG